The following is an entry in ClinVar:

ClinVar aggregate classification (germline): Likely benign (1 of 4 stars; one submission).

Allele frequency attached by ClinVar (database versions not stated): gnomAD 0.00001; ExAC 0.00005.

Submission:

CeGaT Center for Human Genetics Tuebingen
Classification: Likely benign. Last evaluated: 2023-08-01. Review status: criteria provided, single submitter. Criteria: CeGaT Center For Human Genetics Tuebingen Variant Classification Criteria Version 2. Collection method: clinical testing. Allele origin: germline. Affected: yes. Observed: 2 variant alleles.
Comment: MUC5AC: BP4, BP7

NM_001304359.2(MUC5AC):c.13476T>C (p.Ala4492=)

Gene: MUC5AC (mucin 5AC, oligomeric mucus/gel-forming; plus strand). Cytogenetic location: 11p15.5.
Variant type: single nucleotide variant.
Coding change: c.13476T>C on transcript NM_001304359.2 (MANE Select); coding-DNA position 13476, T replaced by C.
Protein change: p.Ala4492=; no amino-acid change (alanine 4492 retained).
Molecular consequence: synonymous variant.
Genome position (GRCh38, 1-based): chr11:1,191,621, T>C. VCF-style: chr11-1191621-T-C. GRCh37 (hg19) VCF-style: chr11-1212846-T-C.
Identifiers: ClinVar variation 2641163 (VCV002641163.24), dbSNP rs137895563, ClinGen allele CA5802398.